The following is an entry in ClinVar:

NM_004183.4(BEST1):c.272C>T (p.Thr91Ile)

Gene: BEST1 (bestrophin 1; plus strand). Cytogenetic location: 11q12.3.
Variant type: single nucleotide variant.
Coding change: c.272C>T on transcript NM_004183.4 (MANE Select); coding-DNA position 272, C replaced by T.
Protein change: p.Thr91Ile; replaces threonine 91 with isoleucine.
Molecular consequence: missense variant. On other transcripts: non-coding transcript variant (1).
Genome position (GRCh38, 1-based): chr11:61,955,742, C>T. VCF-style: chr11-61955742-C-T. GRCh37 (hg19) VCF-style: chr11-61723214-C-T.
Other names: c.92C>T, p.Thr31Ile (NM_001139443.3, NM_001300786.2, NM_001300787.2); c.-47C>T (NM_001363591.3); c.272C>T, p.Thr91Ile (NM_001363592.2); c.-904C>T (NM_001363593.3); short protein forms T91I, T31I.
Identifiers: ClinVar variation 99701 (VCV000099701.9), dbSNP rs281865223, ClinGen allele CA227753.

ClinVar aggregate classification (germline): Pathogenic. Review status: criteria provided, multiple submitters, no conflicts (2 of 4 stars). 3 submissions from 3 submitters: Pathogenic (2). 1 of the submissions does not count toward it. Last evaluated 2024-12-21.

Submissions (3):

Labcorp Genetics (formerly Invitae), Labcorp
Classification: Pathogenic. Last evaluated: 2024-12-21. Review status: criteria provided, single submitter. Criteria: Invitae Variant Classification Sherloc (09022015). Collection method: clinical testing. Allele origin: germline.
Comment: This sequence change replaces threonine, which is neutral and polar, with isoleucine, which is neutral and non-polar, at codon 91 of the BEST1 protein (p.Thr91Ile). This variant is not present in population databases (gnomAD no frequency). This missense change has been observed in individuals with autosomal dominant Best vitelliform macular dystrophy (PMID: 10798642, 20057903, 29976937; internal data). ClinVar contains an entry for this variant (Variation ID: 99701). Invitae Evidence Modeling of protein sequence and biophysical properties (such as structural, functional, and spatial information, amino acid conservation, physicochemical variation, residue mobility, and thermodynamic stability) indicates that this missense variant is expected to disrupt BEST1 protein function with a positive predictive value of 95%. For these reasons, this variant has been classified as Pathogenic.

GeneDx
Classification: Pathogenic. Last evaluated: 2015-05-22. Review status: criteria provided, single submitter. Criteria: GeneDx Variant Classification (06012015). Collection method: clinical testing. Allele origin: germline. Affected: yes.
Comment: The T91I missense variant in the BEST1 gene has been reported previously in association with Bestdisease (Lotery et al., 2000; Querques et al., 2009). The T91I variant was not observed in approximately 6,500 individuals of European and AfricanAmerican ancestry in the NHLBI Exome Sequencing Project, indicating it is not a common benign variantin these populations. Therefore, we interpret R91I as a pathogenic variant.

Retina International
No classification provided. Review status: no classification provided. Collection method: not provided. Allele origin: not provided. Not counted in ClinVar's aggregate classification.

Literature cited by the submitters: PubMed 10798642 (cited by Labcorp Genetics (formerly Invitae), Labcorp); PubMed 20057903 (cited by Labcorp Genetics (formerly Invitae), Labcorp); PubMed 29976937 (cited by Labcorp Genetics (formerly Invitae), Labcorp).